The following is an entry in ClinVar:

ClinVar aggregate classification (germline): Likely benign. Review status: criteria provided, multiple submitters, no conflicts (2 of 4 stars). 3 submissions from 3 submitters: Likely benign (3). Last evaluated 2026-06-16.

Conditions:
GREB1L-related disorder. Also called: GREB1L-related condition.

Allele frequency attached by ClinVar (database versions not stated): gnomAD exomes 0.00009; ExAC 0.00014; 1000 Genomes Project 30x 0.00047; 1000 Genomes Project 0.00060; TOPMed 0.00073; gnomAD 0.00087.
gnomAD v4.1: 265 of 1,551,624 alleles (0.017%); highest among the groups gnomAD compares: African/African-American, 0.3%; 3 homozygotes.

Submissions (3):

PreventionGenetics, part of Exact Sciences
Classification: Likely benign for GREB1L-related condition. Last evaluated: 2026-06-16. Review status: criteria provided, single submitter. Criteria: ACMG Guidelines, 2015. Collection method: clinical testing. Allele origin: germline.
Comment: This variant is classified as likely benign based on ACMG/AMP sequence variant interpretation guidelines (Richards et al. 2015 PMID: 25741868, with internal and published modifications).

Labcorp Genetics (formerly Invitae), Labcorp
Classification: Likely benign. Last evaluated: 2025-12-22. Review status: criteria provided, single submitter. Criteria: Invitae Variant Classification Sherloc (09022015). Collection method: clinical testing. Allele origin: germline.

Blueprint Genetics
Classification: Likely benign. Last evaluated: 2022-11-28. Review status: criteria provided, single submitter. Criteria: ACMG Guidelines, 2015. Collection method: clinical testing. Allele origin: germline.

NM_001142966.3(GREB1L):c.4711G>A (p.Gly1571Ser)

Gene: GREB1L (GREB1 like retinoic acid receptor coactivator; plus strand). Cytogenetic location: 18q11.2.
Variant type: single nucleotide variant.
Coding change: c.4711G>A on transcript NM_001142966.3 (MANE Select); coding-DNA position 4711, G replaced by A.
Protein change: p.Gly1571Ser; replaces glycine 1571 with serine.
Molecular consequence: missense variant.
Genome position (GRCh38, 1-based): chr18:21,508,567, G>A. VCF-style: chr18-21508567-G-A. GRCh37 (hg19) VCF-style: chr18-19088528-G-A.
Other names: c.4711G>A (NM_001142966.1); c.4840G>A, p.Gly1614Ser (NM_001410867.1); c.4384G>A, p.Gly1462Ser (NM_001410868.1); short protein forms G1462S, G1571S, G1614S.
Identifiers: ClinVar variation 2726144 (VCV002726144.5), dbSNP rs369924162, ClinGen allele CA8906677.